The following is an entry in ClinVar:

ClinVar aggregate classification (germline): Uncertain significance (1 of 4 stars; one submission).

Conditions:
Cardiovascular phenotype. Identifiers: MedGen CN230736.

gnomAD v4.1: 1 of 1,550,376 alleles (0.000065%); highest among the groups gnomAD compares: Non-Finnish European, 0.000087%; no homozygotes.

Submission:

Ambry Genetics
Classification: Uncertain significance for Cardiovascular phenotype. Last evaluated: 2026-06-27. Review status: criteria provided, single submitter. Criteria: Ambry Variant Classification Scheme 2023. Collection method: clinical testing. Allele origin: germline.
Comment: The p.R2586S variant (also known as c.7758G>T), located in coding exon 2 of the ZNF469 gene, results from a G to T substitution at nucleotide position 7758. The arginine at codon 2586 is replaced by serine, an amino acid with dissimilar properties. This amino acid position is conserved. In addition, this alteration is predicted to be tolerated by in silico analysis. Based on the available evidence, the clinical significance of this variant remains unclear.

NM_001367624.2(ZNF469):c.7842G>T (p.Arg2614Ser)

Gene: ZNF469 (zinc finger protein 469; plus strand). Cytogenetic location: 16q24.2.
Variant type: single nucleotide variant.
Coding change: c.7842G>T on transcript NM_001367624.2 (MANE Select); coding-DNA position 7842, G replaced by T.
Protein change: p.Arg2614Ser; replaces arginine 2614 with serine.
Molecular consequence: missense variant.
Genome position (GRCh38, 1-based): chr16:88,435,312, G>T. VCF-style: chr16-88435312-G-T. GRCh37 (hg19) VCF-style: chr16-88501720-G-T.
Other names: NM_001127464.1:c.7758G>T; short protein forms R2614S.
Identifiers: ClinVar variation 5032208 (VCV005032208.1).
Genomic context (GRCh38, chr16:88,435,312, plus strand): 5'-AGACCAGGCCAGGGAAGATGAGCTGCATCCCAAACAGGCAGAAAAAAGAGAAGGCCGGAG[G>T]TGGCGCCGAGAGCCCACCGTGGACTCTCCTAGCCACTCAGAGGGGAAGTCAAATAAGAAA-3'
Protein context (NP_001354553.1, residues 2604-2624): PKQAEKREGR[Arg2614Ser]WRREPTVDSP